The following is an entry in ClinVar:

NM_001715.3(BLK):c.1429C>A (p.Pro477Thr)

Gene: BLK (BLK proto-oncogene, Src family tyrosine kinase). Cytogenetic location: 8p23.1.
Variant type: single nucleotide variant.
Coding change: c.1429C>A on transcript NM_001715.3 (MANE Select); coding-DNA position 1429, C replaced by A.
Protein change: p.Pro477Thr; replaces proline 477 with threonine.
Molecular consequence: missense variant.
Genome position (GRCh38, 1-based): chr8:11,564,019, C>A. VCF-style: chr8-11564019-C-A. GRCh37 (hg19) VCF-style: chr8-11421528-C-A.
Other names: c.1216C>A, p.Pro406Thr (NM_001330465.2); short protein forms P406T, P477T.
Identifiers: ClinVar variation 3353629 (VCV003353629.1).

ClinVar aggregate classification (germline): Uncertain significance (0 of 4 stars; one submission).

Conditions:
BLK-related disorder. Also called: BLK-related condition.

gnomAD v4.1: 22 of 1,604,732 alleles (0.0014%); highest among the groups gnomAD compares: Middle Eastern, 0.016%; no homozygotes.

Submission:

PreventionGenetics, part of Exact Sciences
Classification: Uncertain significance for BLK-related condition. Last evaluated: 2024-06-26. Review status: no assertion criteria provided. Collection method: clinical testing. Allele origin: germline.
Comment: The BLK c.1429C>A variant is predicted to result in the amino acid substitution p.Pro477Thr. To our knowledge, this variant has not been reported in the literature. This variant is reported in 0.00098% of alleles in individuals of European (Non-Finnish) descent in gnomAD. At this time, the clinical significance of this variant is uncertain due to the absence of conclusive functional and genetic evidence.